The following is an entry in ClinVar:

ClinVar aggregate classification (germline): Uncertain significance. Review status: criteria provided, multiple submitters, no conflicts (2 of 4 stars). 2 submissions from 2 submitters: Uncertain significance (2). Last evaluated 2025-07-10.

gnomAD v4.1: 17 of 1,598,816 alleles (0.0011%); highest among the groups gnomAD compares: Middle Eastern, 0.017%; no homozygotes.

Submissions (2):

Labcorp Genetics (formerly Invitae), Labcorp
Classification: Uncertain significance. Last evaluated: 2025-07-10. Review status: criteria provided, single submitter. Criteria: Invitae Variant Classification Sherloc (09022015). Collection method: clinical testing. Allele origin: germline.
Comment: This sequence change replaces arginine, which is basic and polar, with tryptophan, which is neutral and slightly polar, at codon 1305 of the PLEKHG2 protein (p.Arg1305Trp). This variant is present in population databases (rs183572190, gnomAD 0.01%). This variant has not been reported in the literature in individuals affected with PLEKHG2-related conditions. ClinVar contains an entry for this variant (Variation ID: 1486870). An algorithm developed to predict the effect of missense changes on protein structure and function outputs the following: PolyPhen-2: "Benign". The tryptophan amino acid residue is found in multiple mammalian species, which suggests that this missense change does not adversely affect protein function. In summary, the available evidence is currently insufficient to determine the role of this variant in disease. Therefore, it has been classified as a Variant of Uncertain Significance.

Ambry Genetics
Classification: Uncertain significance. Last evaluated: 2024-07-23. Review status: criteria provided, single submitter. Criteria: Ambry Variant Classification Scheme 2023. Collection method: clinical testing. Allele origin: germline.

NM_022835.3(PLEKHG2):c.3913C>T (p.Arg1305Trp)

Gene: PLEKHG2 (pleckstrin homology and RhoGEF domain containing G2; plus strand). Cytogenetic location: 19q13.2.
Variant type: single nucleotide variant.
Coding change: c.3913C>T on transcript NM_022835.3 (MANE Select); coding-DNA position 3913, C replaced by T.
Protein change: p.Arg1305Trp; replaces arginine 1305 with tryptophan.
Molecular consequence: missense variant. On other transcripts: intron variant (2).
Genome position (GRCh38, 1-based): chr19:39,425,046, C>T. VCF-style: chr19-39425046-C-T. GRCh37 (hg19) VCF-style: chr19-39915686-C-T.
Other names: c.3572+164C>T (NM_001351693.2); c.1678-192C>T (NM_001351694.2); c.3913C>T (NM_022835.2); short protein forms R1305W.
Identifiers: ClinVar variation 1486870 (VCV001486870.7), dbSNP rs183572190, ClinGen allele CA9430087.